The following is an entry in ClinVar:

ClinVar aggregate classification (germline): Benign. Review status: criteria provided, multiple submitters, no conflicts (2 of 4 stars). 2 submissions from 2 submitters: Benign (2). Last evaluated 2018-01-12.

Conditions:
Autoimmune lymphoproliferative syndrome type 2A (ALPS2A). Also called: CASP10-Related Autoimmune Lymphoproliferative Syndrome; AUTOIMMUNE LYMPHOPROLIFERATIVE SYNDROME, TYPE IIA; Autoimmune lymphoproliferative syndrome type 2. Identifiers: Orphanet 3261, MedGen C1858968, MONDO:0011383, OMIM 603909.

Allele frequency attached by ClinVar (database versions not stated): TOPMed 0.02976; 1000 Genomes Project 30x 0.03170; 1000 Genomes Project 0.03275; gnomAD 0.03348 and 0.03442.
gnomAD v4.1: 31,703 of 965,086 alleles (3.3%); highest among the groups gnomAD compares: South Asian, 6.3%; 613 homozygotes.

Submissions (2):

Illumina Laboratory Services, Illumina
Classification: Benign for Autoimmune lymphoproliferative syndrome type 2A. Last evaluated: 2018-01-12. Review status: criteria provided, single submitter. Criteria: ICSL Variant Classification Criteria 13 December 2019. Collection method: clinical testing. Allele origin: germline.
Comment: This variant was observed in the ICSL laboratory as part of a predisposition screen in an ostensibly healthy population. It had not been previously curated by ICSL or reported in the Human Gene Mutation Database (HGMD: prior to June 1st, 2018), and was therefore a candidate for classification through an automated scoring system. Utilizing variant allele frequency, disease prevalence and penetrance estimates, and inheritance mode, an automated score was calculated to assess if this variant is too frequent to cause the disease. Based on the score and internal cut-off values, a variant classified as benign is not then subjected to further curation. The score for this variant resulted in a classification of benign for this disease.

Breakthrough Genomics
Classification: Benign. Review status: criteria provided, single submitter. Criteria: ACMG Guidelines, 2015. Collection method: not provided. Allele origin: germline. Inheritance: Autosomal dominant inheritance. Affected: yes.

NM_032977.4(CASP10):c.*815C>T

Gene: CASP10 (caspase 10; plus strand). Cytogenetic location: 2q33.1.
Variant type: single nucleotide variant.
Coding change: c.*815C>T on transcript NM_032977.4 (MANE Select); 815 bases downstream of the stop codon, C replaced by T.
Molecular consequence: 3 prime UTR variant. On other transcripts: intron variant (2).
Genome position (GRCh38, 1-based): chr2:201,218,556, C>T. VCF-style: chr2-201218556-C-T. GRCh37 (hg19) VCF-style: chr2-202083279-C-T.
Other names: c.*815C>T (NM_001206524.2, NM_001230.5); c.*1470C>T (NM_032976.4); c.1415+8994C>T (NM_032974.5); c.1286+8994C>T (NM_001206542.2).
Identifiers: ClinVar variation 333455 (VCV000333455.6), dbSNP rs17860409, ClinGen allele CA10612360.